The following is an entry in ClinVar:

ClinVar aggregate classification (germline): Uncertain significance. Review status: criteria provided, multiple submitters, no conflicts (2 of 4 stars). 4 submissions from 4 submitters: Uncertain significance (4). Last evaluated 2025-08-05.

Conditions:
Intellectual disability, autosomal dominant 9 (NESCAVS). Also called: KIF1A-Related Neurodevelopmental Disorder; NESCAV SYNDROME. Identifiers: Orphanet 662367, MedGen C5393830, MONDO:0013656, OMIM 614255.
Inborn genetic diseases. Identifiers: MedGen C0950123, MeSH D030342.

Allele frequency attached by ClinVar (database versions not stated): gnomAD exomes 0.00001; TOPMed 0.00002; gnomAD 0.00003 and 0.00004; ExAC 0.00006.
gnomAD v4.1: 47 of 1,550,300 alleles (0.003%); highest among the groups gnomAD compares: Non-Finnish European, 0.0037%; no homozygotes.

Submissions (4):

Athena Diagnostics
Classification: Uncertain significance. Last evaluated: 2025-08-05. Review status: criteria provided, single submitter. Criteria: Athena Diagnostics Criteria. Collection method: clinical testing. Allele origin: unknown.
Comment: Available data are insufficient to determine the clinical significance of the variant at this time. The frequency of this variant in the general population is higher than would generally be expected for pathogenic variants in this gene. Polyphen and MutationTaster yielded discordant predictions regarding whether this amino acid change is damaging to the protein.

Genomic Medicine Center of Excellence, King Faisal Specialist Hospital and Research Centre
Classification: Uncertain significance for Intellectual disability, autosomal dominant 9. Last evaluated: 2024-03-29. Review status: criteria provided, single submitter. Criteria: ACMG Guidelines, 2015. Collection method: clinical testing. Allele origin: germline.

CeGaT Center for Human Genetics Tuebingen
Classification: Uncertain significance. Last evaluated: 2022-07-01. Review status: criteria provided, single submitter. Criteria: CeGaT Center For Human Genetics Tuebingen Variant Classification Criteria Version 2. Collection method: clinical testing. Allele origin: germline. Affected: yes. Observed: 1 variant allele.
Comment: KIF1A: PM2, PP2

Ambry Genetics
Classification: Uncertain significance for Inborn genetic diseases. Last evaluated: 2022-06-09. Review status: criteria provided, single submitter. Criteria: Ambry Variant Classification Scheme 2023. Collection method: clinical testing. Allele origin: germline.
Comment: The p.S891L variant (also known as c.2672C>T), located in coding exon 26 of the KIF1A gene, results from a C to T substitution at nucleotide position 2672. The serine at codon 891 is replaced by leucine, an amino acid with dissimilar properties. This amino acid position is highly conserved in available vertebrate species. In addition, the in silico prediction for this alteration is inconclusive. The evidence for this gene-disease relationship is limited; therefore, the clinical significance of this alteration is unclear.

NM_001244008.2(KIF1A):c.2672C>T (p.Ser891Leu)

Gene: KIF1A (kinesin family member 1A; minus strand). Cytogenetic location: 2q37.3.
Variant type: single nucleotide variant.
Coding change: c.2672C>T on transcript NM_001244008.2 (MANE Select); coding-DNA position 2672, C replaced by T.
Protein change: p.Ser891Leu; replaces serine 891 with leucine.
Molecular consequence: missense variant. On other transcripts: intron variant (18).
Genome position (GRCh38, 1-based): chr2:240,757,505, G>A on the plus strand (C>T on the coding strand, the complement: KIF1A is on the minus strand). VCF-style: chr2-240757505-G-A. GRCh37 (hg19) VCF-style: chr2-241696922-G-A.
Other names: c.2747C>T, p.Ser916Leu (NM_001379631.1); c.2621C>T, p.Ser874Leu (NM_001379632.1); c.2645C>T, p.Ser882Leu (NM_001379633.1, NM_001379642.1, NM_001379645.1); c.2555+855C>T (NM_001379653.1, NM_001379650.1, NM_001379640.1 and 6 more transcripts); c.2657+855C>T (NM_001379635.1, NM_001330290.2, NM_001379646.1 and 1 more transcripts); c.2630+855C>T (NM_001379637.1, NM_001379648.1); c.2582+855C>T (NM_001320705.2, NM_001379638.1, NM_001330289.2); short protein forms S874L, S882L, S891L, S916L.
Identifiers: ClinVar variation 1701412 (VCV001701412.34), dbSNP rs778041447, ClinGen allele CA2208044.